The following is an entry in ClinVar:

ClinVar aggregate classification (germline): Pathogenic (1 of 4 stars; one submission).

Conditions:
Mucopolysaccharidosis, MPS-II (MPS2). Also called: Hunter Syndrome; IDURONATE 2-SULFATASE DEFICIENCY; Mucopolysaccharidosis Type II; Mucopolysaccharidosis type 2; Attenuated MPS (subtype; formerly known as mild MPS II); Severe MPS II. Identifiers: Orphanet 580, Orphanet 79388, MedGen C0026705, MONDO:0010674, OMIM 309900.

Submission:

Laboratory of Diagnosis and Therapy of Lysosomal Disorders, University of Padova
Classification: Pathogenic for Mucopolysaccharidosis, MPS-II. Last evaluated: 2024-06-07. Review status: criteria provided, single submitter. Criteria: ACMG Guidelines, 2015. Collection method: literature only. Allele origin: germline. Affected: yes. Observed: 1 variant allele.
Comment: Null variant (PVS1_Strong), Absent from controls (or at low frequency) in gnomAD database (PM2_Moderate), Patient’s phenotype or family history highly specific for the disease (PP4_Strong)

Classification method: ACMG Guidelines [PMID:25741868] with modifications

Literature cited by the submitters: PubMed 36945845.

NM_000202.8(IDS):c.1270_1271insC (p.Val424fs)

Gene: IDS (iduronate 2-sulfatase; minus strand). Cytogenetic location: Xq28.
Variant type: Insertion.
Coding change: c.1270_1271insC on transcript NM_000202.8 (MANE Select); coding-DNA positions 1270 to 1271, C inserted.
Protein change: p.Val424fs; shifts the reading frame from valine 424.
Molecular consequence: frameshift variant.
Genome position: GRCh38 VCF-style: chrX-149483128-A-AG. GRCh37 (hg19) VCF-style: chrX-148564659-A-AG.
Other names: c.1000_1001insC, p.Val334fs (NM_001166550.4); short protein forms V334fs, V424fs.
Identifiers: ClinVar variation 3256008 (VCV003256008.2).
Genomic context (GRCh38, chrX:149,483,128, plus strand): 5'-AATCGAAAATGCTTCAGAAGGTTCTTGCCTTCTCTGCACAGCTCAACGTGAAATGAAGGA[A>AG]CGGGGCAGCGAGGTGGAACCTGCAGTCCTGCAAGTCCAGCCAGCGTGGGAAAAAGAGACA-3'